The following is an entry in ClinVar:

ClinVar aggregate classification (germline): Uncertain significance (1 of 4 stars; one submission).

Conditions:
SEMA3D-related disorder. Also called: SEMA3D-related condition.

gnomAD v4.1: 2 of 1,609,706 alleles (0.00012%); highest among the groups gnomAD compares: Non-Finnish European, 0.00017%; no homozygotes.

Submission:

PreventionGenetics, part of Exact Sciences
Classification: Uncertain significance for SEMA3D-related condition. Last evaluated: 2025-10-31. Review status: criteria provided, single submitter. Criteria: ACMG Guidelines, 2015. Collection method: clinical testing. Allele origin: germline.
Comment: The SEMA3D c.472A>G variant is predicted to result in the amino acid substitution p.Ile158Val. To our knowledge, this variant has not been reported in the literature. This variant is reported in 0.0065% of alleles in individuals of European (Non-Finnish) descent in gnomAD. At this time, the clinical significance of this variant is uncertain due to the absence of conclusive functional and genetic evidence.

NM_001384900.1(SEMA3D):c.472A>G (p.Ile158Val)

Gene: SEMA3D (semaphorin 3D; minus strand). Cytogenetic location: 7q21.11.
Variant type: single nucleotide variant.
Coding change: c.472A>G on transcript NM_001384900.1 (MANE Select); coding-DNA position 472, A replaced by G.
Protein change: p.Ile158Val; replaces isoleucine 158 with valine.
Molecular consequence: missense variant.
Genome position (GRCh38, 1-based): chr7:85,072,985, T>C on the plus strand (A>G on the coding strand, the complement: SEMA3D is on the minus strand). VCF-style: chr7-85072985-T-C. GRCh37 (hg19) VCF-style: chr7-84702301-T-C.
Other names: c.472A>G, p.Ile158Val (NM_001384901.1, NM_001384902.1, NM_001384903.1 and 1 more transcripts); short protein forms I158V.
Identifiers: ClinVar variation 4993786 (VCV004993786.1).